The following is an entry in ClinVar:

NM_001395413.1(POR):c.1615C>T (p.Pro539Ser)

Gene: POR (cytochrome p450 oxidoreductase; plus strand). Cytogenetic location: 7q11.23.
Variant type: single nucleotide variant.
Coding change: c.1615C>T on transcript NM_001395413.1 (MANE Select); coding-DNA position 1615, C replaced by T.
Protein change: p.Pro539Ser; replaces proline 539 with serine.
Molecular consequence: missense variant.
Genome position (GRCh38, 1-based): chr7:75,985,804, C>T. VCF-style: chr7-75985804-C-T. GRCh37 (hg19) VCF-style: chr7-75615122-C-T.
Other names: c.1615C>T, p.Pro539Ser (NM_001367562.3, NM_001382657.2, NM_001382658.3 and 1 more transcripts); c.1669C>T, p.Pro557Ser (NM_001382655.3); c.1465C>T, p.Pro489Ser (NM_001382662.3); c.1624C>T (NM_000941.2); short protein forms P489S, P539S, P557S.
Identifiers: ClinVar variation 3774761 (VCV003774761.1).

ClinVar aggregate classification (germline): Uncertain significance (1 of 4 stars; one submission).

Submission:

GeneDx
Classification: Uncertain significance. Last evaluated: 2024-09-27. Review status: criteria provided, single submitter. Criteria: GeneDx Variant Classification Process June 2021. Collection method: clinical testing. Allele origin: germline. Affected: yes.
Comment: Not observed at significant frequency in large population cohorts (gnomAD); In silico analysis supports that this missense variant has a deleterious effect on protein structure/function; Has not been previously published as pathogenic or benign to our knowledge